The following is an entry in ClinVar:

ClinVar aggregate classification (germline): Conflicting classifications of pathogenicity. Review status: criteria provided, conflicting classifications (1 of 4 stars). 5 submissions from 5 submitters: Uncertain significance (3); Benign (1); Likely benign (1). Last evaluated 2026-01-28.

Conditions:
CTSD-related disorder. Also called: CTSD-related condition.
Inborn genetic diseases. Identifiers: MedGen C0950123, MeSH D030342.
Neuronal ceroid lipofuscinosis. Also called: Neuronal Ceroid Lipofuscinoses. Identifiers: Orphanet 216, Orphanet 79263, MedGen C0027877, MONDO:0016295. Disease mechanism: loss of function.
Neuronal ceroid lipofuscinosis 10 (CLN10). Also called: CTSD-Related Neuronal Ceroid-Lipofuscinosis; NEURONAL CEROID LIPOFUSCINOSIS DUE TO CATHEPSIN D DEFICIENCY. Identifiers: Orphanet 228337, MedGen C1864669, MONDO:0012414, OMIM 610127.

Allele frequency attached by ClinVar (database versions not stated): gnomAD 0.00006 and 0.00010; gnomAD exomes 0.00007 and 0.00012; ESP Exome Variant Server 0.00008; TOPMed 0.00008; ExAC 0.00015; 1000 Genomes Project 30x 0.00094; 1000 Genomes Project 0.00100.
gnomAD v4.1: 124 of 1,610,514 alleles (0.0077%); highest among the groups gnomAD compares: East Asian, 0.038%; 3 homozygotes.

Submissions (5):

Labcorp Genetics (formerly Invitae), Labcorp
Classification: Benign for Neuronal ceroid lipofuscinosis. Last evaluated: 2026-01-28. Review status: criteria provided, single submitter. Criteria: Invitae Variant Classification Sherloc (09022015). Collection method: clinical testing. Allele origin: germline.

PreventionGenetics, part of Exact Sciences
Classification: Uncertain significance for CTSD-related condition. Last evaluated: 2025-11-18. Review status: criteria provided, single submitter. Criteria: ACMG Guidelines, 2015. Collection method: clinical testing. Allele origin: germline.
Comment: The CTSD c.926G>A variant is predicted to result in the amino acid substitution p.Arg309His. To our knowledge, this variant has not been reported in the literature. This variant is reported in 0.081% of alleles in individuals of East Asian descent in gnomAD. Although we suspect that this variant may be benign, at this time, the clinical significance of this variant is uncertain due to the absence of conclusive functional and genetic evidence.

Revvity Omics, Revvity
Classification: Uncertain significance for Neuronal ceroid lipofuscinosis 10. Last evaluated: 2020-03-04. Review status: criteria provided, single submitter. Criteria: ACMG Guidelines, 2015. Collection method: clinical testing. Allele origin: germline.

GeneDx
Classification: Likely benign. Last evaluated: 2019-09-10. Review status: criteria provided, single submitter. Criteria: GeneDx Variant Classification Process June 2021. Collection method: clinical testing. Allele origin: germline. Affected: yes.

Ambry Genetics
Classification: Uncertain significance for Inborn genetic diseases. Last evaluated: 2018-02-06. Review status: criteria provided, single submitter. Criteria: Ambry Variant Classification Scheme 2023. Collection method: clinical testing. Allele origin: germline.
Comment: The p.R309H variant (also known as c.926G>A), located in coding exon 7 of the CTSD gene, results from a G to A substitution at nucleotide position 926. The arginine at codon 309 is replaced by histidine, an amino acid with highly similar properties. This amino acid position is not well conserved in available vertebrate species. In addition, this alteration is predicted to be tolerated by in silico analysis. Since supporting evidence is limited at this time, the clinical significance of this alteration remains unclear.

NM_001909.5(CTSD):c.926G>A (p.Arg309His)

Gene: CTSD (cathepsin D; minus strand). Cytogenetic location: 11p15.5.
Variant type: single nucleotide variant.
Coding change: c.926G>A on transcript NM_001909.5 (MANE Select); coding-DNA position 926, G replaced by A.
Protein change: p.Arg309His; replaces arginine 309 with histidine.
Molecular consequence: missense variant.
Genome position (GRCh38, 1-based): chr11:1,754,040, C>T on the plus strand (G>A on the coding strand, the complement: CTSD is on the minus strand). VCF-style: chr11-1754040-C-T. GRCh37 (hg19) VCF-style: chr11-1775270-C-T.
Other names: p.R309H:CGC>CAC; short protein forms R309H.
Identifiers: ClinVar variation 205360 (VCV000205360.22), dbSNP rs374540411, ClinGen allele CA314362.